The following is an entry in ClinVar:

ClinVar aggregate classification (germline): Pathogenic (1 of 4 stars; one submission).

gnomAD v4.1: 2 of 1,613,918 alleles (0.00012%); highest among the groups gnomAD compares: Non-Finnish European, 0.00017%; no homozygotes.

Submission:

Labcorp Genetics (formerly Invitae), Labcorp
Classification: Pathogenic. Last evaluated: 2022-05-12. Review status: criteria provided, single submitter. Criteria: Invitae Variant Classification Sherloc (09022015). Collection method: clinical testing. Allele origin: germline.
Comment: This variant is not present in population databases (gnomAD no frequency). This variant has not been reported in the literature in individuals affected with DMXL2-related conditions. For these reasons, this variant has been classified as Pathogenic. This sequence change creates a premature translational stop signal (p.Arg1810*) in the DMXL2 gene. It is expected to result in an absent or disrupted protein product. Loss-of-function variants in DMXL2 are known to be pathogenic (PMID: 30237576, 31688942).

Literature cited by the submitters: PubMed 30237576; PubMed 31688942.

NM_001378457.1(DMXL2):c.5428C>T (p.Arg1810Ter)

Gene: DMXL2 (Dmx like 2; minus strand). Cytogenetic location: 15q21.2.
Variant type: single nucleotide variant.
Coding change: c.5428C>T on transcript NM_001378457.1 (MANE Select); coding-DNA position 5428, C replaced by T.
Protein change: p.Arg1810Ter; replaces arginine 1810 with a stop codon.
Molecular consequence: nonsense. On other transcripts: non-coding transcript variant (2).
Genome position (GRCh38, 1-based): chr15:51,486,127, G>A on the plus strand (C>T on the coding strand, the complement: DMXL2 is on the minus strand). VCF-style: chr15-51486127-G-A. GRCh37 (hg19) VCF-style: chr15-51778324-G-A.
Other names: c.5428C>T, p.Arg1810Ter (NM_001174116.3, NM_001378458.1, NM_001378459.1 and 4 more transcripts); c.3520C>T, p.Arg1174Ter (NM_001174117.3); c.3409C>T, p.Arg1137Ter (NM_001378460.1); c.5188C>T, p.Arg1730Ter (NM_001378464.1); short protein forms R1137*, R1174*, R1810*, R1730*.
Identifiers: ClinVar variation 1949879 (VCV001949879.5), dbSNP rs772456119, ClinGen allele CA392426745.